The following is an entry in ClinVar:

NM_001735.3(C5):c.4510_4511del (p.Gln1504fs)

Gene: C5 (complement C5; minus strand). Cytogenetic location: 9q33.2.
Variant type: Deletion.
Coding change: c.4510_4511del on transcript NM_001735.3 (MANE Select); coding-DNA positions 4510 to 4511, 2 bases deleted (CA; older notation c.4510_4511delCA).
Protein change: p.Gln1504fs; shifts the reading frame from glutamine 1504.
Molecular consequence: frameshift variant.
Genome position (GRCh38, 1-based): chr9:120,961,559-120,961,560, TG deleted on the plus strand (CA on the coding strand, the reverse complement: C5 is on the minus strand); deleting any 2 consecutive bases within chr9:120,961,559-120,961,561 gives the same sequence; the c. name uses the placement nearest the transcript's 3' end. VCF-style (leftmost placement, unchanged base first): chr9-120961558-CTG-C. GRCh37 (hg19) VCF-style: chr9-123723836-CTG-C.
Other names: c.4528_4529del, p.Gln1510fs (NM_001317163.2); short protein forms Q1510fs, Q1504fs.
Identifiers: ClinVar variation 3728570 (VCV003728570.2).

ClinVar aggregate classification (germline): Pathogenic (1 of 4 stars; one submission).

Submission:

Labcorp Genetics (formerly Invitae), Labcorp
Classification: Pathogenic. Last evaluated: 2024-03-29. Review status: criteria provided, single submitter. Criteria: Invitae Variant Classification Sherloc (09022015). Collection method: clinical testing. Allele origin: germline.
Comment: This sequence change creates a premature translational stop signal (p.Gln1504Valfs*6) in the C5 gene. It is expected to result in an absent or disrupted protein product. Loss-of-function variants in C5 are known to be pathogenic (PMID: 7730648, 19414197, 27026170). This variant is not present in population databases (gnomAD no frequency). This variant has not been reported in the literature in individuals affected with C5-related conditions. For these reasons, this variant has been classified as Pathogenic.

Literature cited by the submitters: PubMed 7730648; PubMed 19414197; PubMed 27026170.